The following is an entry in ClinVar:

NM_001256545.2(MEGF10):c.2233+758C>T

Gene: MEGF10 (multiple EGF like domains 10; plus strand). Cytogenetic location: 5q23.2.
Variant type: single nucleotide variant.
Coding change: c.2233+758C>T on transcript NM_001256545.2 (MANE Select); 758 bases into the intron after coding-DNA position 2233, C replaced by T.
Molecular consequence: intron variant.
Genome position (GRCh38, 1-based): chr5:127,439,325, C>T. VCF-style: chr5-127439325-C-T. GRCh37 (hg19) VCF-style: chr5-126775017-C-T.
Other names: c.2233+758C>T (NM_032446.3).
Identifiers: ClinVar variation 3767213 (VCV003767213.1).

ClinVar aggregate classification (germline): Likely pathogenic (1 of 4 stars; one submission).

Conditions:
Congenital myopathy 10b, mild variant. Also called: Myopathy, areflexia, respiratory distress, and dysphagia, early-onset, mild variant. Identifiers: MedGen C3541476, MONDO:0859515, OMIM 620249.

Submission:

Service de Génétique Médicale, Centre Hospitalier Universitaire de Nice-Université Côte d'Azur
Classification: Likely pathogenic for Congenital myopathy 10b, mild variant. Last evaluated: 2024-02-27. Review status: criteria provided, single submitter. Criteria: ACMG Guidelines, 2015. Collection method: clinical testing. Allele origin: germline. Affected: yes.

Literature cited by the submitters: PubMed 38703036.